The following is an entry in ClinVar:

ClinVar aggregate classification (germline): Conflicting classifications of pathogenicity. Review status: criteria provided, conflicting classifications (1 of 4 stars). 5 submissions from 5 submitters: Uncertain significance (1); Benign (1); Likely benign (3). Last evaluated 2025-12-09.

Conditions:
Hereditary cancer-predisposing syndrome. Also called: Tumor predisposition; Hereditary neoplastic syndrome; Hereditary Cancer Syndrome; Neoplastic Syndromes, Hereditary. Identifiers: Orphanet 140162, MedGen C0027672, MeSH D009386, MONDO:0015356.
BAP1-related tumor predisposition syndrome (TPDS1). Also called: Tumor susceptibility linked to germline BAP1 mutations; BAP1 tumor predisposition syndrome; TUMOR PREDISPOSITION SYNDROME 1; COMMON Syndrome. Identifiers: Orphanet 289539, MedGen C3280492, MONDO:0013692, OMIM 614327.

Allele frequency attached by ClinVar (database versions not stated): gnomAD exomes below 0.00001.
gnomAD v4.1: 4 of 1,589,606 alleles (0.00025%); highest among the groups gnomAD compares: South Asian, 0.0023%; no homozygotes.

Submissions (5):

Labcorp Genetics (formerly Invitae), Labcorp
Classification: Likely benign for BAP1-related tumor predisposition syndrome. Last evaluated: 2025-12-09. Review status: criteria provided, single submitter. Criteria: Invitae Variant Classification Sherloc (09022015). Collection method: clinical testing. Allele origin: germline.

Color Diagnostics, LLC DBA Color Health
Classification: Likely benign for Hereditary cancer-predisposing syndrome. Last evaluated: 2025-08-25. Review status: criteria provided, single submitter. Criteria: ACMG Guidelines, 2015. Collection method: clinical testing. Allele origin: germline.

GeneDx
Classification: Uncertain significance. Last evaluated: 2024-08-06. Review status: criteria provided, single submitter. Criteria: GeneDx Variant Classification Process June 2021. Collection method: clinical testing. Allele origin: germline. Affected: yes.
Comment: Not observed at significant frequency in large population cohorts (gnomAD); In silico analysis indicates that this variant does not alter splicing; Has not been previously published as pathogenic or benign to our knowledge

Myriad Genetics, Inc.
Classification: Benign for BAP1-related tumor predisposition syndrome. Last evaluated: 2024-07-18. Review status: criteria provided, single submitter. Criteria: Myriad Autosomal Dominant, Autosomal Recessive and X-Linked Classification Criteria (2023). Collection method: clinical testing. Allele origin: unknown.
Comment: This variant is considered benign. This variant is a silent/synonymous amino acid change and it is not expected to impact splicing.

Ambry Genetics
Classification: Likely benign for Hereditary cancer-predisposing syndrome. Last evaluated: 2024-01-14. Review status: criteria provided, single submitter. Criteria: Ambry Variant Classification Scheme 2023. Collection method: clinical testing. Allele origin: germline.

NM_004656.4(BAP1):c.2136G>A (p.Gln712=)

Gene: BAP1 (BRCA1 associated deubiquitinase 1; minus strand). Cytogenetic location: 3p21.1.
Variant type: single nucleotide variant.
Coding change: c.2136G>A on transcript NM_004656.4 (MANE Select); coding-DNA position 2136, G replaced by A.
Protein change: p.Gln712=; no amino-acid change (glutamine 712 retained).
Molecular consequence: synonymous variant.
Genome position (GRCh38, 1-based): chr3:52,402,342, C>T on the plus strand (G>A on the coding strand, the complement: BAP1 is on the minus strand). VCF-style: chr3-52402342-C-T. GRCh37 (hg19) VCF-style: chr3-52436358-C-T.
Other names: c.2082G>A, p.Gln694= (NM_001410772.1); c.2136G>A (NM_004656.3).
Identifiers: ClinVar variation 3224456 (VCV003224456.4), dbSNP rs1174809043, ClinGen allele CA433885900.
Genomic context (GRCh38, chr3:52,402,342, plus strand): 5'-CAGTCCTCACTGGCGCTTGGCCTTGTAGGGGCGAGAGCGTTTCCGCCGGTCAGGCTTCCG[C>T]TGCTTGTGGAGCCGGCCGATGCTGACCCCTTGGCGCCGCCGCACGGAGATGTTCTGCTCC-3'
Protein context (NP_004647.1, residues 702-722): QGVSIGRLHK[Gln712=]RKPDRRKRSR